The following is an entry in ClinVar:

NM_015040.4(PIKFYVE):c.1089C>G (p.Cys363Trp)

Gene: PIKFYVE (phosphoinositide kinase, FYVE-type zinc finger containing; plus strand). Cytogenetic location: 2q34.
Variant type: single nucleotide variant.
Coding change: c.1089C>G on transcript NM_015040.4 (MANE Select); coding-DNA position 1089, C replaced by G.
Protein change: p.Cys363Trp; replaces cysteine 363 with tryptophan.
Molecular consequence: missense variant.
Genome position (GRCh38, 1-based): chr2:208,300,975, C>G. VCF-style: chr2-208300975-C-G. GRCh37 (hg19) VCF-style: chr2-209165699-C-G.
Other names: c.1089C>G, p.Cys363Trp (NM_001178000.2); c.798C>G, p.Cys266Trp (NM_152671.4); short protein forms C266W, C363W.
Identifiers: ClinVar variation 4763817 (VCV004763817.1).

ClinVar aggregate classification (germline): Uncertain significance (1 of 4 stars; one submission).

gnomAD v4.1: 27 of 1,614,044 alleles (0.0017%); highest among the groups gnomAD compares: Non-Finnish European, 0.0022%; no homozygotes.

Submission:

Labcorp Genetics (formerly Invitae), Labcorp
Classification: Uncertain significance. Last evaluated: 2025-04-29. Review status: criteria provided, single submitter. Criteria: Invitae Variant Classification Sherloc (09022015). Collection method: clinical testing. Allele origin: germline.
Comment: This sequence change replaces cysteine, which is neutral and slightly polar, with tryptophan, which is neutral and slightly polar, at codon 363 of the PIKFYVE protein (p.Cys363Trp). This variant is not present in population databases (gnomAD no frequency). This variant has not been reported in the literature in individuals affected with PIKFYVE-related conditions. An algorithm developed to predict the effect of missense changes on protein structure and function (PolyPhen-2) suggests that this variant is likely to be disruptive. In summary, the available evidence is currently insufficient to determine the role of this variant in disease. Therefore, it has been classified as a Variant of Uncertain Significance.